The following is an entry in ClinVar:

NM_000218.3(KCNQ1):c.1079G>C (p.Arg360Thr)

Gene: KCNQ1 (potassium voltage-gated channel subfamily Q member 1; plus strand). Cytogenetic location: 11p15.5.
Variant type: single nucleotide variant.
Coding change: c.1079G>C on transcript NM_000218.3 (MANE Select); coding-DNA position 1079, G replaced by C.
Protein change: p.Arg360Thr; replaces arginine 360 with threonine.
Molecular consequence: missense variant.
Genome position (GRCh38, 1-based): chr11:2,585,258, G>C. VCF-style: chr11-2585258-G-C. GRCh37 (hg19) VCF-style: chr11-2606488-G-C.
Other names: c.1079G>C (LRG_287t1); c.809G>C, p.Arg270Thr (NM_001406837.1); c.698G>C, p.Arg233Thr (NM_181798.2); short protein forms R360T, R233T, R270T.
Identifiers: ClinVar variation 52951 (VCV000052951.7), dbSNP rs199473407, ClinGen allele CA005195.

ClinVar aggregate classification (germline): Conflicting classifications of pathogenicity. Review status: criteria provided, conflicting classifications (1 of 4 stars). 3 submissions from 3 submitters: Likely pathogenic (1); Uncertain significance (1). 1 of the submissions does not count toward it. Last evaluated 2021-01-20.

Conditions:
Cardiovascular phenotype. Identifiers: MedGen CN230736.
KCNQ1-related disorder. Also called: KCNQ1-related condition; KCNQ1-related disorders. Identifiers: MedGen CN239322.
Familial long QT syndrome (RWS). Also called: Congenital long QT syndrome; Romano-Ward syndrome; VENTRICULAR FIBRILLATION WITH PROLONGED QT INTERVAL. Identifiers: Orphanet 768, MedGen C1141890, MONDO:0019171.

Submissions (3):

Ambry Genetics
Classification: Uncertain significance for Cardiovascular phenotype. Last evaluated: 2021-01-20. Review status: criteria provided, single submitter. Criteria: Ambry Variant Classification Scheme 2023. Collection method: clinical testing. Allele origin: germline.

Blueprint Genetics
Classification: Likely pathogenic for KCNQ1-related disorders. Last evaluated: 2017-06-08. Review status: criteria provided, single submitter. Criteria: ACMG Guidelines, 2015. Collection method: clinical testing. Allele origin: germline. Affected: yes. Observed: 1 variant allele.

Cardiovascular Biomedical Research Unit, Royal Brompton & Harefield NHS Foundation Trust
No classification provided. Condition: Familial long QT syndrome. Review status: no classification provided. Collection method: literature only. Allele origin: germline. Not counted in ClinVar's aggregate classification.
Comment: This variant has been reported as associated with Long QT syndrome in the following publications (PMID:16414944). This is a literature report, and does not necessarily reflect the clinical interpretation of the Imperial College / Royal Brompton Cardiovascular Genetics laboratory.

Literature cited by the submitters: PubMed 16414944 (cited by Cardiovascular Biomedical Research Unit, Royal Brompton & Harefield NHS Foundation Trust); PubMed 22581653 (cited by Cardiovascular Biomedical Research Unit, Royal Brompton & Harefield NHS Foundation Trust).